The following is an entry in ClinVar:

ClinVar aggregate classification (germline): Conflicting classifications of pathogenicity. Review status: criteria provided, conflicting classifications (1 of 4 stars). 8 submissions from 8 submitters: Uncertain significance (2); Benign (1); Likely benign (5). Last evaluated 2025-11-17.

Conditions:
Hereditary cancer-predisposing syndrome. Also called: Hereditary neoplastic syndrome; Tumor predisposition; Hereditary Cancer Syndrome; Neoplastic Syndromes, Hereditary. Identifiers: Orphanet 140162, MedGen C0027672, MeSH D009386, MONDO:0015356.
Breast-ovarian cancer, familial, susceptibility to, 4. Identifiers: Orphanet 145, MedGen C3280345, MONDO:0013669, OMIM 614291.

Allele frequency attached by ClinVar (database versions not stated): TOPMed below 0.00001; gnomAD 0.00001; ESP Exome Variant Server 0.00008.
gnomAD v4.1: 8 of 1,613,688 alleles (0.0005%); highest among the groups gnomAD compares: African/African-American, 0.0053%; no homozygotes.

Submissions (8):

Labcorp Genetics (formerly Invitae), Labcorp
Classification: Likely benign for Breast-ovarian cancer, familial, susceptibility to, 4. Last evaluated: 2025-11-17. Review status: criteria provided, single submitter. Criteria: Invitae Variant Classification Sherloc (09022015). Collection method: clinical testing. Allele origin: germline.

Myriad Genetics, Inc.
Classification: Benign for Breast-ovarian cancer, familial, susceptibility to, 4. Last evaluated: 2025-02-20. Review status: criteria provided, single submitter. Criteria: Myriad Autosomal Dominant, Autosomal Recessive and X-Linked Classification Criteria (2023). Collection method: clinical testing. Allele origin: unknown.
Comment: This variant is considered benign. This variant is a silent/synonymous amino acid change and it is not expected to impact splicing.

GeneDx
Classification: Uncertain significance. Last evaluated: 2024-09-24. Review status: criteria provided, single submitter. Criteria: GeneDx Variant Classification Process June 2021. Collection method: clinical testing. Allele origin: germline. Affected: yes.
Comment: Not observed at significant frequency in large population cohorts (gnomAD); In silico analysis indicates that this variant does not alter splicing; Has not been previously published as pathogenic or benign to our knowledge

Quest Diagnostics Nichols Institute San Juan Capistrano
Classification: Uncertain significance. Last evaluated: 2023-12-28. Review status: criteria provided, single submitter. Criteria: Quest Diagnostics criteria. Collection method: clinical testing. Allele origin: unknown.
Comment: The RAD51D c.90C>T (p.Asp30=) synonymous variant has not been reported in individuals with RAD51D-related conditions in the published literature. The frequency of this variant in the general population, 0.000008 (2/251454 chromosomes (Genome Aggregation Database)), is uninformative in the assessment of its pathogenicity. Analysis of this variant using software algorithms for the prediction of the effect of nucleotide changes on splicing yielded predictions that this variant does not affect RAD51D mRNA splicing. Based on the available information, we are unable to determine the clinical significance of this variant.

Department of Pathology and Laboratory Medicine, Sinai Health System
Classification: Likely benign for Breast-ovarian cancer, familial, susceptibility to, 4. Last evaluated: 2022-11-03. Review status: criteria provided, single submitter. Criteria: ACMG Guidelines, 2015. Collection method: clinical testing. Allele origin: germline. Affected: yes.

Women's Health and Genetics/Laboratory Corporation of America, LabCorp
Classification: Likely benign. Last evaluated: 2022-07-31. Review status: criteria provided, single submitter. Criteria: LabCorp Variant Classification Summary - May 2015. Collection method: clinical testing. Allele origin: germline.

Color Diagnostics, LLC DBA Color Health
Classification: Likely benign for Hereditary cancer-predisposing syndrome. Last evaluated: 2016-08-05. Review status: criteria provided, single submitter. Criteria: ACMG Guidelines, 2015. Collection method: clinical testing. Allele origin: germline.

Ambry Genetics
Classification: Likely benign for Hereditary cancer-predisposing syndrome. Last evaluated: 2015-10-13. Review status: criteria provided, single submitter. Criteria: Ambry Variant Classification Scheme 2023. Collection method: clinical testing. Allele origin: germline.

NM_002878.4(RAD51D):c.90C>T (p.Asp30=)

Genes: RAD51L3-RFFL (RAD51L3-RFFL readthrough; minus strand), RAD51D (RAD51 paralog D; minus strand). Cytogenetic location: 17q12.
Variant type: single nucleotide variant.
Coding change: c.90C>T on transcript NM_002878.4 (MANE Select); coding-DNA position 90, C replaced by T.
Protein change: p.Asp30=; no amino-acid change (aspartic acid 30 retained).
Molecular consequence: synonymous variant. On other transcripts: non-coding transcript variant (2).
Genome position (GRCh38, 1-based): chr17:35,119,165, G>A on the plus strand (C>T on the coding strand, the complement: RAD51D is on the minus strand). VCF-style: chr17-35119165-G-A. GRCh37 (hg19) VCF-style: chr17-33446184-G-A.
Other names: c.90C>T, p.Asp30= (NM_001142571.2, NM_133629.3).
Identifiers: ClinVar variation 492455 (VCV000492455.23), dbSNP rs374725981, ClinGen allele CA8499669.